The following is an entry in ClinVar:

ClinVar aggregate classification (germline): Conflicting classifications of pathogenicity. Review status: criteria provided, conflicting classifications (1 of 4 stars). 3 submissions from 3 submitters: Uncertain significance (2); Likely benign (1). Last evaluated 2025-09-05.

Conditions:
Hereditary cancer-predisposing syndrome. Also called: Neoplastic Syndromes, Hereditary; Tumor predisposition; Hereditary Cancer Syndrome; Hereditary neoplastic syndrome. Identifiers: Orphanet 140162, MedGen C0027672, MeSH D009386, MONDO:0015356.

Submissions (3):

Color Diagnostics, LLC DBA Color Health
Classification: Uncertain significance for Hereditary cancer-predisposing syndrome. Last evaluated: 2025-09-05. Review status: criteria provided, single submitter. Criteria: ACMG Guidelines, 2015. Collection method: clinical testing. Allele origin: germline.
Comment: This missense variant replaces serine with phenylalanine at codon 1230 of the BRCA2 protein. Computational prediction suggests that this variant may not impact protein structure and function. To our knowledge, functional studies have not been reported for this variant. This variant has been detected in a breast cancer case-control meta-analysis in 0/60466 cases and 1/53461 unaffected individuals (PMID: 33471991Leiden Open Variation Database DB-ID BRCA2_008094). This variant has not been identified in the general population by the Genome Aggregation Database (gnomAD). The available evidence is insufficient to determine the role of this variant in disease conclusively. Therefore, this variant is classified as a Variant of Uncertain Significance.

University of Washington Department of Laboratory Medicine, University of Washington
Classification: Likely benign for Hereditary cancer-predisposing syndrome. Last evaluated: 2023-03-23. Review status: criteria provided, single submitter. Criteria: Dines et al. (Genet Med. 2020). Collection method: curation. Allele origin: germline.
Comment: Missense variant in a coldspot region where missense variants are very unlikely to be pathogenic (PMID:31911673).

BRCA2 exon 11 coldspot. Reclassification based on statistical prior probability.

Ambry Genetics
Classification: Uncertain significance for Hereditary cancer-predisposing syndrome. Last evaluated: 2019-09-26. Review status: criteria provided, single submitter. Criteria: Ambry Variant Classification Scheme 2023. Collection method: clinical testing. Allele origin: germline.
Comment: The p.S1230F variant (also known as c.3689C>T), located in coding exon 10 of the BRCA2 gene, results from a C to T substitution at nucleotide position 3689. The serine at codon 1230 is replaced by phenylalanine, an amino acid with highly dissimilar properties. This amino acid position is well conserved in available vertebrate species. In addition, this alteration is predicted to be deleterious by in silico analysis. Since supporting evidence is limited at this time, the clinical significance of this alteration remains unclear.

Literature cited by the submitters: PubMed 33471991 (cited by Color Diagnostics, LLC DBA Color Health).

NM_000059.4(BRCA2):c.3689C>T (p.Ser1230Phe)

Gene: BRCA2 (BRCA2 DNA repair associated; plus strand). Cytogenetic location: 13q13.1.
Variant type: single nucleotide variant.
Coding change: c.3689C>T on transcript NM_000059.4 (MANE Select); coding-DNA position 3689, C replaced by T.
Protein change: p.Ser1230Phe; replaces serine 1230 with phenylalanine.
Molecular consequence: missense variant.
Genome position (GRCh38, 1-based): chr13:32,338,044, C>T. VCF-style: chr13-32338044-C-T. GRCh37 (hg19) VCF-style: chr13-32912181-C-T.
Other names: c.3689C>T, p.Ser1230Phe (NM_001406719.1, NM_001406720.1); short protein forms S1230F.
Identifiers: ClinVar variation 1733939 (VCV001733939.5), dbSNP rs2137499058, ClinGen allele CA387778026.